The following is an entry in ClinVar:

ClinVar aggregate classification (germline): Conflicting classifications of pathogenicity. Review status: criteria provided, conflicting classifications (1 of 4 stars). 2 submissions from 2 submitters: Uncertain significance (1); Likely benign (1). Last evaluated 2025-07-01.

Conditions:
Catecholaminergic polymorphic ventricular tachycardia 1. Also called: VENTRICULAR TACHYCARDIA, CATECHOLAMINERGIC POLYMORPHIC, 1, WITH OR WITHOUT ATRIAL DYSFUNCTION AND/OR DILATED CARDIOMYOPATHY; VENTRICULAR TACHYCARDIA, STRESS-INDUCED POLYMORPHIC 1; RYR2-Related Catecholaminergic Polymorphic Ventricular Tachycardia. Identifiers: Orphanet 3286, MedGen C1631597, MONDO:0011484, OMIM 604772.

Allele frequency attached by ClinVar (database versions not stated): gnomAD 0.00001; TOPMed 0.00001.
gnomAD v4.1: 2 of 1,613,502 alleles (0.00012%); highest among the groups gnomAD compares: African/African-American, 0.0027%; no homozygotes.

Submissions (2):

CeGaT Center for Human Genetics Tuebingen
Classification: Uncertain significance. Last evaluated: 2025-07-01. Review status: criteria provided, single submitter. Criteria: CeGaT Center For Human Genetics Tuebingen Variant Classification Criteria Version 2. Collection method: clinical testing. Allele origin: germline. Affected: yes. Observed: 1 variant allele.
Comment: RYR2: PM2:Supporting

Labcorp Genetics (formerly Invitae), Labcorp
Classification: Likely benign for Catecholaminergic polymorphic ventricular tachycardia 1. Last evaluated: 2025-06-06. Review status: criteria provided, single submitter. Criteria: Invitae Variant Classification Sherloc (09022015). Collection method: clinical testing. Allele origin: germline.

NM_001035.3(RYR2):c.682C>G (p.Leu228Val)

Gene: RYR2 (ryanodine receptor 2; plus strand). Cytogenetic location: 1q43.
Variant type: single nucleotide variant.
Coding change: c.682C>G on transcript NM_001035.3 (MANE Select); coding-DNA position 682, C replaced by G.
Protein change: p.Leu228Val; replaces leucine 228 with valine.
Molecular consequence: missense variant.
Genome position (GRCh38, 1-based): chr1:237,388,092, C>G. VCF-style: chr1-237388092-C-G. GRCh37 (hg19) VCF-style: chr1-237551392-C-G.
Other names: short protein forms L228V.
Identifiers: ClinVar variation 2742239 (VCV002742239.11), dbSNP rs1421531475, ClinGen allele CA345378130.
Genomic context (GRCh38, chr1:237,388,092, plus strand): 5'-GCTATCAGCACCTGACACTGACAGTCCAGACCTGAATGATTTTTTATCCTTACAGGGTAT[C>G]TCATTGGTGGTGATGTCCTCAGGTTGCTGCATGGACACATGGACGAGTGTCTCACTGTCC-3'
Protein context (NP_001026.2, residues 218-238): SSGSEAAQGY[Leu228Val]IGGDVLRLLH